The following is an entry in ClinVar:

NM_032608.7(MYO18B):c.338G>A (p.Arg113His)

Gene: MYO18B (myosin XVIIIB; plus strand). Cytogenetic location: 22q12.1.
Variant type: single nucleotide variant.
Coding change: c.338G>A on transcript NM_032608.7 (MANE Select); coding-DNA position 338, G replaced by A.
Protein change: p.Arg113His; replaces arginine 113 with histidine.
Molecular consequence: missense variant.
Genome position (GRCh38, 1-based): chr22:25,768,254, G>A. VCF-style: chr22-25768254-G-A. GRCh37 (hg19) VCF-style: chr22-26164221-G-A.
Other names: c.338G>A, p.Arg113His (NM_001318245.2); c.338G>A (NM_032608.5); short protein forms R113H.
Identifiers: ClinVar variation 1483032 (VCV001483032.7), dbSNP rs754871127, ClinGen allele CA10159556.
Genomic context (GRCh38, chr22:25,768,254, plus strand): 5'-ACGACCAGTCAAGCTCTCCTGGGAGCTCAGACATTCTGGGCAAGGAGAGCGAGGGGTCCC[G>A]CAGCCCCGACCCTGAGCAGATGACAAGCATCAATGGTGAGAAGGCCCAGGAGCTGGGCTC-3'
Protein context (NP_115997.5, residues 103-123): DILGKESEGS[Arg113His]SPDPEQMTSI

ClinVar aggregate classification (germline): Uncertain significance. Review status: criteria provided, multiple submitters, no conflicts (2 of 4 stars). 2 submissions from 2 submitters: Uncertain significance (2). Last evaluated 2026-07-08.

Conditions:
Inborn genetic diseases. Identifiers: MedGen C0950123, MeSH D030342.

Allele frequency attached by ClinVar (database versions not stated): gnomAD 0.00002 and 0.00001; ExAC 0.00002; TOPMed 0.00001; gnomAD exomes 0.00001.
gnomAD v4.1: 11 of 1,613,856 alleles (0.00068%); highest among the groups gnomAD compares: African/African-American, 0.0027%; no homozygotes.

Submissions (2):

Ambry Genetics
Classification: Uncertain significance for Inborn genetic diseases. Last evaluated: 2026-07-08. Review status: criteria provided, single submitter. Criteria: Ambry Variant Classification Scheme 2023. Collection method: clinical testing. Allele origin: germline.

Labcorp Genetics (formerly Invitae), Labcorp
Classification: Uncertain significance. Last evaluated: 2023-08-29. Review status: criteria provided, single submitter. Criteria: Invitae Variant Classification Sherloc (09022015). Collection method: clinical testing. Allele origin: germline.
Comment: In summary, the available evidence is currently insufficient to determine the role of this variant in disease. Therefore, it has been classified as a Variant of Uncertain Significance. An algorithm developed to predict the effect of missense changes on protein structure and function (PolyPhen-2) suggests that this variant is likely to be tolerated. ClinVar contains an entry for this variant (Variation ID: 1483032). This variant has not been reported in the literature in individuals affected with MYO18B-related conditions. This variant is present in population databases (rs754871127, gnomAD 0.002%). This sequence change replaces arginine, which is basic and polar, with histidine, which is basic and polar, at codon 113 of the MYO18B protein (p.Arg113His).